The following is an entry in ClinVar:

ClinVar aggregate classification (germline): Likely pathogenic. Review status: criteria provided, multiple submitters, no conflicts (2 of 4 stars). 3 submissions from 3 submitters: Likely pathogenic (3). Last evaluated 2024-06-20.

Conditions:
Pyruvate carboxylase deficiency. Also called: LEIGH NECROTIZING ENCEPHALOPATHY DUE TO PYRUVATE CARBOXYLASE DEFICIENCY; LEIGH SYNDROME DUE TO PYRUVATE CARBOXYLASE DEFICIENCY; PC DEFICIENCY; Pyruvate Carboxylase Deficiency Disease; ATAXIA WITH LACTIC ACIDOSIS II. Identifiers: Orphanet 3008, MedGen C0034341, MONDO:0009949, OMIM 266150.

Submissions (3):

Fulgent Genetics
Classification: Likely pathogenic for Pyruvate carboxylase deficiency. Last evaluated: 2024-06-20. Review status: criteria provided, single submitter. Criteria: ACMG Guidelines, 2015. Collection method: clinical testing. Allele origin: germline.

Baylor Genetics
Classification: Likely pathogenic for Pyruvate carboxylase deficiency. Last evaluated: 2023-09-21. Review status: criteria provided, single submitter. Criteria: ACMG Guidelines, 2015. Collection method: clinical testing. Allele origin: unknown.

GenePathDx, GenePath diagnostics
Classification: Likely pathogenic for Pyruvate carboxylase deficiency. Last evaluated: 2017-09-08. Review status: criteria provided, single submitter. Criteria: GenePathDx_Criteria_classificationV2. Collection method: clinical testing. Allele origin: germline. Inheritance: Autosomal recessive inheritance. Affected: yes. Observed: 2 variant alleles, 2 heterozygotes.

NM_001040716.2(PC):c.1368+1G>A

Gene: PC (pyruvate carboxylase; minus strand). Cytogenetic location: 11q13.2.
Variant type: single nucleotide variant.
Coding change: c.1368+1G>A on transcript NM_001040716.2 (MANE Select); the canonical splice donor site of the intron after coding-DNA position 1368, G replaced by A.
Molecular consequence: splice donor variant.
Genome position (GRCh38, 1-based): chr11:66,863,773, C>T on the plus strand (G>A on the coding strand, the complement: PC is on the minus strand). VCF-style: chr11-66863773-C-T. GRCh37 (hg19) VCF-style: chr11-66631244-C-T.
Other names: c.1368+1G>A (NM_000920.4, NM_022172.3).
Identifiers: ClinVar variation 448903 (VCV000448903.5), dbSNP rs755640269, ClinGen allele CA381497742.